The following is an entry in ClinVar:

NM_000188.3(HK1):c.691G>T (p.Gly231Cys)

Gene: HK1 (hexokinase 1; plus strand). Cytogenetic location: 10q22.1.
Variant type: single nucleotide variant.
Coding change: c.691G>T on transcript NM_000188.3 (MANE Select); coding-DNA position 691, G replaced by T.
Protein change: p.Gly231Cys; replaces glycine 231 with cysteine.
Molecular consequence: missense variant.
Genome position (GRCh38, 1-based): chr10:69,369,336, G>T. VCF-style: chr10-69369336-G-T. GRCh37 (hg19) VCF-style: chr10-71129092-G-T.
Other names: c.655G>T, p.Gly219Cys (NM_033500.2); c.703G>T, p.Gly235Cys (NM_001322364.2, NM_001358263.1, NM_033497.3 and 1 more transcripts); c.796G>T, p.Gly266Cys (NM_001322365.2); c.607G>T, p.Gly203Cys (NM_001322366.1); c.595G>T, p.Gly199Cys (NM_001322367.1); c.688G>T, p.Gly230Cys (NM_033496.3); short protein forms G231C, G203C, G235C, G199C, G230C, G266C, G219C.
Identifiers: ClinVar variation 2816046 (VCV002816046.3), dbSNP rs1849878522, ClinGen allele CA376914066.

ClinVar aggregate classification (germline): Uncertain significance (1 of 4 stars; one submission).

Submission:

Labcorp Genetics (formerly Invitae), Labcorp
Classification: Uncertain significance. Last evaluated: 2022-12-31. Review status: criteria provided, single submitter. Criteria: Invitae Variant Classification Sherloc (09022015). Collection method: clinical testing. Allele origin: germline.
Comment: In summary, the available evidence is currently insufficient to determine the role of this variant in disease. Therefore, it has been classified as a Variant of Uncertain Significance. Variants that disrupt the consensus splice site are a relatively common cause of aberrant splicing (PMID: 17576681, 9536098). Algorithms developed to predict the effect of sequence changes on RNA splicing suggest that this variant may disrupt the consensus splice site. Algorithms developed to predict the effect of missense changes on protein structure and function (SIFT, PolyPhen-2, Align-GVGD) all suggest that this variant is likely to be disruptive. This variant has not been reported in the literature in individuals affected with HK1-related conditions. This variant is not present in population databases (gnomAD no frequency). This sequence change replaces glycine, which is neutral and non-polar, with cysteine, which is neutral and slightly polar, at codon 231 of the HK1 protein (p.Gly231Cys). This variant also falls at the last nucleotide of exon 6, which is part of the consensus splice site for this exon.

Literature cited by the submitters: PubMed 17576681; PubMed 9536098.